The following is an entry in ClinVar:

ClinVar aggregate classification (germline): Likely benign (1 of 4 stars; one submission).

gnomAD v4.1: 3 of 1,614,232 alleles (0.00019%); highest among the groups gnomAD compares: Admixed American, 0.0033%; no homozygotes.

Submission:

CeGaT Center for Human Genetics Tuebingen
Classification: Likely benign. Last evaluated: 2026-03-01. Review status: criteria provided, single submitter. Criteria: CeGaT Center For Human Genetics Tuebingen Variant Classification Criteria Version 2. Collection method: clinical testing. Allele origin: germline. Affected: yes. Observed: 1 variant allele.
Comment: WWOX: BP4, BP7

NM_016373.4(WWOX):c.951G>T (p.Thr317=)

Gene: WWOX (WW domain containing oxidoreductase; plus strand). Cytogenetic location: 16q23.1.
Variant type: single nucleotide variant.
Coding change: c.951G>T on transcript NM_016373.4 (MANE Select); coding-DNA position 951, G replaced by T.
Protein change: p.Thr317=; no amino-acid change (threonine 317 retained).
Molecular consequence: synonymous variant.
Genome position (GRCh38, 1-based): chr16:78,432,647, G>T. VCF-style: chr16-78432647-G-T. GRCh37 (hg19) VCF-style: chr16-78466544-G-T.
Other names: c.612G>T, p.Thr204= (NM_001291997.2).
Identifiers: ClinVar variation 4821413 (VCV004821413.4).
Genomic context (GRCh38, chr16:78,432,647, plus strand): 5'-GCTCTGCAACATCCTCTTCTCCAACGAGCTGCACCGTCGCCTCTCCCCACGCGGGGTCAC[G>T]TCGAACGCAGTGCATCCTGGAAATATGATGTACTCCAACATTCATCGCAGCTGGTGGGTG-3'
Protein context (NP_057457.1, residues 307-327): LHRRLSPRGV[Thr317=]SNAVHPGNMM